The following is an entry in ClinVar:

ClinVar aggregate classification (germline): Uncertain significance (1 of 4 stars; one submission).

Conditions:
Inborn genetic diseases. Identifiers: MedGen C0950123, MeSH D030342.

Submission:

Ambry Genetics
Classification: Uncertain significance for Inborn genetic diseases. Last evaluated: 2024-05-11. Review status: criteria provided, single submitter. Criteria: Ambry Variant Classification Scheme 2023. Collection method: clinical testing. Allele origin: germline.
Comment: The p.S118F variant (also known as c.353C>T), located in coding exon 3 of the SMAD2 gene, results from a C to T substitution at nucleotide position 353. The serine at codon 118 is replaced by phenylalanine, an amino acid with highly dissimilar properties. This amino acid position is conserved. In addition, this alteration is predicted to be deleterious by in silico analysis. Based on the available evidence, the clinical significance of this variant remains unclear.

NM_005901.6(SMAD2):c.353C>T (p.Ser118Phe)

Gene: SMAD2 (SMAD family member 2; minus strand). Cytogenetic location: 18q21.1.
Variant type: single nucleotide variant.
Coding change: c.353C>T on transcript NM_005901.6 (MANE Select); coding-DNA position 353, C replaced by T.
Protein change: p.Ser118Phe; replaces serine 118 with phenylalanine.
Molecular consequence: missense variant.
Genome position (GRCh38, 1-based): chr18:47,869,410, G>A on the plus strand (C>T on the coding strand, the complement: SMAD2 is on the minus strand). VCF-style: chr18-47869410-G-A. GRCh37 (hg19) VCF-style: chr18-45395781-G-A.
Other names: c.353C>T, p.Ser118Phe (NM_001003652.4); c.263C>T, p.Ser88Phe (NM_001135937.3); short protein forms S88F, S118F.
Identifiers: ClinVar variation 3320623 (VCV003320623.1).